The following is an entry in ClinVar:

NM_004006.3(DMD):c.5739+6G>A

Gene: DMD (dystrophin; minus strand). Cytogenetic location: Xp21.1.
Variant type: single nucleotide variant.
Coding change: c.5739+6G>A on transcript NM_004006.3 (MANE Select); 6 bases into the intron after coding-DNA position 5739, G replaced by A.
Molecular consequence: intron variant.
Genome position (GRCh38, 1-based): chrX:32,343,128, C>T on the plus strand (G>A on the coding strand, the complement: DMD is on the minus strand). VCF-style: chrX-32343128-C-T. GRCh37 (hg19) VCF-style: chrX-32361245-C-T.
Other names: c.5715+6G>A (NM_000109.4); c.1716+6G>A (NM_004011.4); c.1707+6G>A (NM_004012.4); c.5727+6G>A (NM_004009.3); c.5370+6G>A (NM_004010.3).
Identifiers: ClinVar variation 2095114 (VCV002095114.1), dbSNP rs2521858453, ClinGen allele CA2580100647.

ClinVar aggregate classification (germline): Uncertain significance (1 of 4 stars; one submission).

Conditions:
Duchenne muscular dystrophy (DMD). Also called: MUSCULAR DYSTROPHY, PSEUDOHYPERTROPHIC PROGRESSIVE, DUCHENNE TYPE; Duchenne Muscular Dystrophy (DMD). Identifiers: Orphanet 98896, MedGen C0013264, MONDO:0010679, OMIM 310200.

Allele frequency attached by ClinVar (database versions not stated): gnomAD exomes below 0.00001.
gnomAD v4.1: 1 of 1,207,799 alleles (0.000083%); highest among the groups gnomAD compares: South Asian, 0.0018%; no homozygotes.

Submission:

Labcorp Genetics (formerly Invitae), Labcorp
Classification: Uncertain significance for Duchenne muscular dystrophy. Last evaluated: 2022-02-08. Review status: criteria provided, single submitter. Criteria: Invitae Variant Classification Sherloc (09022015). Collection method: clinical testing. Allele origin: germline.
Comment: This sequence change falls in intron 40 of the DMD gene. It does not directly change the encoded amino acid sequence of the DMD protein. It affects a nucleotide within the consensus splice site. This variant is not present in population databases (gnomAD no frequency). This variant has not been reported in the literature in individuals affected with DMD-related conditions. Variants that disrupt the consensus splice site are a relatively common cause of aberrant splicing (PMID: 17576681, 9536098). Algorithms developed to predict the effect of sequence changes on RNA splicing suggest that this variant is not likely to affect RNA splicing. In summary, the available evidence is currently insufficient to determine the role of this variant in disease. Therefore, it has been classified as a Variant of Uncertain Significance.

Literature cited by the submitters: PubMed 17576681; PubMed 9536098.